The following is an entry in ClinVar:

ClinVar aggregate classification (germline): Uncertain significance. Review status: criteria provided, multiple submitters, no conflicts (2 of 4 stars). 4 submissions from 4 submitters: Uncertain significance (3). 1 of the submissions does not count toward it. Last evaluated 2025-07-15.

Conditions:
LZTR1-related disorder. Also called: LZTR1-related disorders; LZTR1-related condition.
Hereditary cancer-predisposing syndrome. Also called: Hereditary Cancer Syndrome; Hereditary neoplastic syndrome; Neoplastic Syndromes, Hereditary; Tumor predisposition. Identifiers: Orphanet 140162, MedGen C0027672, MeSH D009386, MONDO:0015356.
Cardiovascular phenotype. Identifiers: MedGen CN230736.
LZTR1-related schwannomatosis. Also called: Schwannomatosis 2; Schwannomatosis-2, susceptibility to. Identifiers: Orphanet 93921, MedGen C3810283, MONDO:0014299, OMIM 615670.

gnomAD v4.1: 7 of 1,613,448 alleles (0.00043%); highest among the groups gnomAD compares: Middle Eastern, 0.016%; no homozygotes.

Submissions (4):

Ambry Genetics
Classification: Uncertain significance for Cardiovascular phenotype; Hereditary cancer-predisposing syndrome. Last evaluated: 2025-07-15. Review status: criteria provided, single submitter. Criteria: Ambry Variant Classification Scheme 2023. Collection method: clinical testing. Allele origin: germline.
Comment: The p.S813G variant (also known as c.2437A>G), located in coding exon 21 of the LZTR1 gene, results from an A to G substitution at nucleotide position 2437. The serine at codon 813 is replaced by glycine, an amino acid with similar properties. This amino acid position is highly conserved in available vertebrate species. In addition, this alteration is predicted to be tolerated by in silico analysis. Since supporting evidence is limited at this time, the clinical significance of this alteration remains unclear.

Labcorp Genetics (formerly Invitae), Labcorp
Classification: Uncertain significance. Last evaluated: 2025-05-14. Review status: criteria provided, single submitter. Criteria: Invitae Variant Classification Sherloc (09022015). Collection method: clinical testing. Allele origin: germline.
Comment: This sequence change replaces serine, which is neutral and polar, with glycine, which is neutral and non-polar, at codon 813 of the LZTR1 protein (p.Ser813Gly). This variant is present in population databases (no rsID available, gnomAD 0.003%). This variant has not been reported in the literature in individuals affected with LZTR1-related conditions. ClinVar contains an entry for this variant (Variation ID: 1432646). Invitae Evidence Modeling of protein sequence and biophysical properties (such as structural, functional, and spatial information, amino acid conservation, physicochemical variation, residue mobility, and thermodynamic stability) indicates that this missense variant is not expected to disrupt LZTR1 protein function with a negative predictive value of 80%. In summary, the available evidence is currently insufficient to determine the role of this variant in disease. Therefore, it has been classified as a Variant of Uncertain Significance.

Baylor Genetics
Classification: Uncertain significance for LZTR1-related schwannomatosis. Last evaluated: 2024-02-23. Review status: criteria provided, single submitter. Criteria: ACMG Guidelines, 2015. Collection method: clinical testing. Allele origin: unknown.

PreventionGenetics, part of Exact Sciences
Classification: Uncertain significance for LZTR1-related condition. Last evaluated: 2024-02-17. Review status: no assertion criteria provided. Collection method: clinical testing. Allele origin: germline. Not counted in ClinVar's aggregate classification.
Comment: The LZTR1 c.2437A>G variant is predicted to result in the amino acid substitution p.Ser813Gly. To our knowledge, this variant has not been reported in the literature. This variant is reported in 0.0033% of alleles in individuals of South Asian descent in gnomAD and has been interpreted in ClinVar as uncertain. Of note, a different variant impacting the same amino acid residue (p.Ser813Ile) has been documented in an individual with schwannomatosis (Subject S1, Piotrowski et al. 2014. PubMed ID: 24362817). At this time, the clinical significance of the c.2437A>G (p.Ser813Gly) variant is uncertain due to the absence of conclusive functional and genetic evidence.

NM_006767.4(LZTR1):c.2437A>G (p.Ser813Gly)

Gene: LZTR1 (leucine zipper like post translational regulator 1; plus strand). Cytogenetic location: 22q11.21.
Variant type: single nucleotide variant.
Coding change: c.2437A>G on transcript NM_006767.4 (MANE Select); coding-DNA position 2437, A replaced by G.
Protein change: p.Ser813Gly; replaces serine 813 with glycine.
Molecular consequence: missense variant.
Genome position (GRCh38, 1-based): chr22:20,997,262, A>G. VCF-style: chr22-20997262-A-G. GRCh37 (hg19) VCF-style: chr22-21351551-A-G.
Other names: short protein forms S813G.
Identifiers: ClinVar variation 1432646 (VCV001432646.15), dbSNP rs1311281590, ClinGen allele CA410781594.